The following is an entry in ClinVar:

NM_001197104.2(KMT2A):c.9917C>T (p.Pro3306Leu)

Gene: KMT2A (lysine methyltransferase 2A; plus strand). Cytogenetic location: 11q23.3.
Variant type: single nucleotide variant.
Coding change: c.9917C>T on transcript NM_001197104.2 (MANE Select); coding-DNA position 9917, C replaced by T.
Protein change: p.Pro3306Leu; replaces proline 3306 with leucine.
Molecular consequence: missense variant.
Genome position (GRCh38, 1-based): chr11:118,505,809, C>T. VCF-style: chr11-118505809-C-T. GRCh37 (hg19) VCF-style: chr11-118376524-C-T.
Other names: c.10007C>T, p.Pro3336Leu (NM_001412597.1); c.9908C>T, p.Pro3303Leu (NM_005933.4); short protein forms P3306L, P3336L, P3303L.
Identifiers: ClinVar variation 2128439 (VCV002128439.4), dbSNP rs2497024333, ClinGen allele CA382822249.

ClinVar aggregate classification (germline): Uncertain significance (1 of 4 stars; one submission).

Submission:

Labcorp Genetics (formerly Invitae), Labcorp
Classification: Uncertain significance. Last evaluated: 2024-02-24. Review status: criteria provided, single submitter. Criteria: Invitae Variant Classification Sherloc (09022015). Collection method: clinical testing. Allele origin: germline.
Comment: This sequence change replaces proline, which is neutral and non-polar, with leucine, which is neutral and non-polar, at codon 3306 of the KMT2A protein (p.Pro3306Leu). This variant is not present in population databases (gnomAD no frequency). This variant has not been reported in the literature in individuals affected with KMT2A-related conditions. ClinVar contains an entry for this variant (Variation ID: 2128439). Advanced modeling of protein sequence and biophysical properties (such as structural, functional, and spatial information, amino acid conservation, physicochemical variation, residue mobility, and thermodynamic stability) performed at Invitae indicates that this missense variant is not expected to disrupt KMT2A protein function with a negative predictive value of 95%. In summary, the available evidence is currently insufficient to determine the role of this variant in disease. Therefore, it has been classified as a Variant of Uncertain Significance.